The following is an entry in ClinVar:

NM_001734.5(C1S):c.158A>T (p.Tyr53Phe)

Gene: C1S (complement C1s; plus strand). Cytogenetic location: 12p13.31.
Variant type: single nucleotide variant.
Coding change: c.158A>T on transcript NM_001734.5 (MANE Select); coding-DNA position 158, A replaced by T.
Protein change: p.Tyr53Phe; replaces tyrosine 53 with phenylalanine.
Molecular consequence: missense variant. On other transcripts: intron variant (1).
Genome position (GRCh38, 1-based): chr12:7,062,627, A>T. VCF-style: chr12-7062627-A-T. GRCh37 (hg19) VCF-style: chr12-7169931-A-T.
Other names: c.158A>T, p.Tyr53Phe (NM_201442.4); c.-288-263A>T (NM_001346850.2); short protein forms Y53F.
Identifiers: ClinVar variation 4848048 (VCV004848048.1).

ClinVar aggregate classification (germline): Uncertain significance (1 of 4 stars; one submission).

gnomAD v4.1: 1 of 1,614,118 alleles (0.000062%); highest among the groups gnomAD compares: South Asian, 0.0011%; no homozygotes.

Submission:

Women's Health and Genetics/Laboratory Corporation of America, LabCorp
Classification: Uncertain significance. Last evaluated: 2026-02-04. Review status: criteria provided, single submitter. Criteria: LabCorp Variant Classification Summary - May 2015. Collection method: clinical testing. Allele origin: germline.
Comment: Variant summary: C1S c.158A>T (p.Tyr53Phe) results in a conservative amino acid change in the encoded protein sequence. Algorithms developed to predict the effect of missense changes on protein structure and function are either unavailable or do not agree on the potential impact of this missense change. The variant was absent in 251458 control chromosomes. The available data on variant occurrences in the general population are insufficient to allow any conclusion about variant significance. To our knowledge, no occurrence of c.158A>T in individuals affected with C1S-related conditions and no experimental evidence demonstrating its impact on protein function have been reported. No submitters have cited clinical-significance assessments for this variant to ClinVar. Based on the evidence outlined above, the variant was classified as uncertain significance.